The following is an entry in ClinVar:

ClinVar aggregate classification (germline): Likely benign. Review status: criteria provided, multiple submitters, no conflicts (2 of 4 stars). 4 submissions from 4 submitters: Likely benign (3). 1 of the submissions does not count toward it. Last evaluated 2026-09-01.

Conditions:
JAG2-related disorder. Also called: JAG2-related condition.

Allele frequency attached by ClinVar (database versions not stated): 1000 Genomes Project 0.00040; 1000 Genomes Project 30x 0.00047; ExAC 0.00105; gnomAD exomes 0.00176; ESP Exome Variant Server 0.00177.
gnomAD v4.1: 2,746 of 1,612,770 alleles (0.17%); highest among the groups gnomAD compares: Non-Finnish European, 0.21%; 4 homozygotes.

Submissions (4):

CeGaT Center for Human Genetics Tuebingen
Classification: Likely benign. Last evaluated: 2026-09-01. Review status: criteria provided, single submitter. Criteria: CeGaT Center For Human Genetics Tuebingen Variant Classification Criteria Version 2. Collection method: clinical testing. Allele origin: germline. Affected: yes. Observed: 5 variant alleles.
Comment: JAG2: BP4, BP7

Women's Health and Genetics/Laboratory Corporation of America, LabCorp
Classification: Likely benign. Last evaluated: 2025-09-26. Review status: criteria provided, single submitter. Criteria: LabCorp Variant Classification Summary - May 2015. Collection method: clinical testing. Allele origin: germline.

Blueprint Genetics
Classification: Likely benign. Last evaluated: 2024-11-25. Review status: criteria provided, single submitter. Criteria: ACMG Guidelines, 2015. Collection method: clinical testing. Allele origin: germline.

PreventionGenetics, part of Exact Sciences
Classification: Likely benign for JAG2-related condition. Last evaluated: 2022-02-12. Review status: no assertion criteria provided. Collection method: clinical testing. Allele origin: germline. Not counted in ClinVar's aggregate classification.
Comment: This variant is classified as likely benign based on ACMG/AMP sequence variant interpretation guidelines (Richards et al. 2015 PMID: 25741868, with internal and published modifications).

NM_002226.5(JAG2):c.642C>T (p.Arg214=)

Gene: JAG2 (jagged canonical Notch ligand 2; minus strand). Cytogenetic location: 14q32.33.
Variant type: single nucleotide variant.
Coding change: c.642C>T on transcript NM_002226.5 (MANE Select); coding-DNA position 642, C replaced by T.
Protein change: p.Arg214=; no amino-acid change (arginine 214 retained).
Molecular consequence: synonymous variant.
Genome position (GRCh38, 1-based): chr14:105,155,823, G>A on the plus strand (C>T on the coding strand, the complement: JAG2 is on the minus strand). VCF-style: chr14-105155823-G-A. GRCh37 (hg19) VCF-style: chr14-105622160-G-A.
Other names: c.642C>T, p.Arg214= (NM_145159.3); c.642C>T (NM_002226.4).
Identifiers: ClinVar variation 2644904 (VCV002644904.26), dbSNP rs142729116, ClinGen allele CA7386388.